The following is an entry in ClinVar:

NC_000009.11:g.(?_131379899)_(131403238_?)dup

Genes: DYNC2I2 (dynein 2 intermediate chain 2; minus strand), SPTAN1 (spectrin alpha, non-erythrocytic 1; plus strand). Cytogenetic location: 9q34.11.
Variant type: Duplication.
Identifiers: ClinVar variation 2427141 (VCV002427141.3).

ClinVar aggregate classification (germline): Uncertain significance (1 of 4 stars; one submission).

Conditions:
Short-rib thoracic dysplasia 11 with or without polydactyly (SRTD11). Also called: SHORT-RIB THORACIC DYSPLASIA 11 WITHOUT POLYDACTYLY. Identifiers: Orphanet 474, Orphanet 93271, MedGen C3810200, MONDO:0014287, OMIM 615633.

Submission:

Labcorp Genetics (formerly Invitae), Labcorp
Classification: Uncertain significance for Short-rib thoracic dysplasia 11 with or without polydactyly. Last evaluated: 2022-07-14. Review status: criteria provided, single submitter. Criteria: Invitae Variant Classification Sherloc (09022015). Collection method: clinical testing. Allele origin: germline.
Comment: In summary, the available evidence is currently insufficient to determine the role of this variant in disease. Therefore, it has been classified as a Variant of Uncertain Significance. Experimental studies and prediction algorithms are not available or were not evaluated, and the functional significance of this variant is currently unknown. This variant has not been reported in the literature in individuals affected with WDR34-related conditions. This variant results in a copy number gain of the genomic region encompassing exon(s) 2-9 of the WDR34 gene. This region includes the termination codon of the gene. This copy number gain extends beyond the assayed region for this gene and therefore may encompass additional genes. As the precise location of this event is unknown, it may be in tandem or it may be located elsewhere in the genome.